The following is an entry in ClinVar:

ClinVar aggregate classification (germline): Likely pathogenic (1 of 4 stars; one submission).

Conditions:
Tuberous sclerosis 2 (TSC2). Identifiers: Orphanet 805, MedGen C1860707, MONDO:0013199, OMIM 613254.

Submission:

Labcorp Genetics (formerly Invitae), Labcorp
Classification: Likely pathogenic for Tuberous sclerosis 2. Last evaluated: 2022-10-25. Review status: criteria provided, single submitter. Criteria: Invitae Variant Classification Sherloc (09022015). Collection method: clinical testing. Allele origin: germline.
Comment: In summary, the currently available evidence indicates that the variant is pathogenic, but additional data are needed to prove that conclusively. Therefore, this variant has been classified as Likely Pathogenic. This variant results in an extension of the TSC2 protein. Other variant(s) that result in a similarly extended protein product (p.Thr1804Hisfs*82, p.*1808Argext*) have been observed in individuals with TSC2-related disease (PMID: 9328481, 23389244; Invitae). This suggests that these extensions may be clinically significant. This variant has not been reported in the literature in individuals affected with TSC2-related conditions. This variant is not present in population databases (gnomAD no frequency). This sequence change results in a frameshift in the TSC2 gene (p.Phe1803Leufs*). While this is not anticipated to result in nonsense mediated decay, it is expected to disrupt the last 5 amino acid(s) of the TSC2 protein and extend the protein by an uncertain number of additional amino acid residues.

Literature cited by the submitters: PubMed 9328481; PubMed 23389244.

NM_000548.5(TSC2):c.5408_5409insG (p.Phe1803fs)

Gene: TSC2 (TSC complex subunit 2; plus strand). Cytogenetic location: 16p13.3.
Variant type: Insertion.
Coding change: c.5408_5409insG on transcript NM_000548.5 (MANE Select); coding-DNA positions 5408 to 5409, G inserted.
Protein change: p.Phe1803fs; shifts the reading frame from phenylalanine 1803.
Molecular consequence: frameshift variant.
Genome position: GRCh38 VCF-style: chr16-2088594-T-TG. GRCh37 (hg19) VCF-style: chr16-2138595-T-TG.
Other names: c.5207_5208insG, p.Phe1736fs (NM_001077183.3); c.5339_5340insG, p.Phe1780fs (NM_001114382.3); c.5099_5100insG, p.Phe1700fs (NM_001318827.2); c.5063_5064insG, p.Phe1688fs (NM_001318829.2); c.4676_4677insG, p.Phe1559fs (NM_001318831.2); c.5240_5241insG, p.Phe1747fs (NM_001318832.2); c.5210_5211insG, p.Phe1737fs (NM_001363528.2); c.5276_5277insG, p.Phe1759fs (NM_001370404.1); and 27 more; short protein forms F1688fs, F1747fs, F1756fs, F1700fs, F1803fs, F1736fs, F1760fs, F1559fs.
Identifiers: ClinVar variation 2036783 (VCV002036783.4), dbSNP rs2544521172, ClinGen allele CA2580091210.